The following is an entry in ClinVar:

ClinVar aggregate classification (germline): Uncertain significance. Review status: criteria provided, multiple submitters, no conflicts (2 of 4 stars). 4 submissions from 4 submitters: Uncertain significance (4). Last evaluated 2025-08-24.

Conditions:
Cardiovascular phenotype. Identifiers: MedGen CN230736.
Hypertrophic cardiomyopathy. Also called: HYPERTROPHIC MYOCARDIOPATHY. Identifiers: Orphanet 217569, MedGen C0007194, MeSH D002312, MONDO:0005045, HP:0001639.
Cardiomyopathy (CMYO). Also called: Cardiomyopathies. Identifiers: Orphanet 167848, MedGen C0878544, MONDO:0004994, HP:0001638. Inheritance: Various modes of inheritance.

Allele frequency attached by ClinVar (database versions not stated): gnomAD exomes below 0.00001.

Submissions (4):

Labcorp Genetics (formerly Invitae), Labcorp
Classification: Uncertain significance for Hypertrophic cardiomyopathy. Last evaluated: 2025-08-24. Review status: criteria provided, single submitter. Criteria: Invitae Variant Classification Sherloc (09022015). Collection method: clinical testing. Allele origin: germline.
Comment: This sequence change replaces aspartic acid, which is acidic and polar, with glycine, which is neutral and non-polar, at codon 55 of the TPM1 protein (p.Asp55Gly). This variant is not present in population databases (gnomAD no frequency). This variant has not been reported in the literature in individuals affected with TPM1-related conditions. ClinVar contains an entry for this variant (Variation ID: 582268). An algorithm developed to predict the effect of missense changes on protein structure and function (PolyPhen-2) suggests that this variant is likely to be disruptive. In summary, the available evidence is currently insufficient to determine the role of this variant in disease. Therefore, it has been classified as a Variant of Uncertain Significance.

Color Diagnostics, LLC DBA Color Health
Classification: Uncertain significance for Cardiomyopathy. Last evaluated: 2023-12-05. Review status: criteria provided, single submitter. Criteria: ACMG Guidelines, 2015. Collection method: clinical testing. Allele origin: germline.
Comment: Variant of Uncertain Significance due to insufficient evidence: This missense variant is located in the actin binding region of the TPM1 protein. Computational prediction tools and conservation analyses suggest that this variant may have deleterious impact on the protein function. Computational splicing tools suggest that this variant may not impact RNA splicing. To our knowledge, functional assays have not been performed for this variant nor has this variant been reported in individuals affected with cardiovascular disorders in the literature. This variant is rare in the general population and has been identified in 0/277264 chromosomes by the Genome Aggregation Database (gnomAD). Available evidence is insufficient to determine the role of this variant in disease conclusively.

Ambry Genetics
Classification: Uncertain significance for Cardiovascular phenotype. Last evaluated: 2023-04-03. Review status: criteria provided, single submitter. Criteria: Ambry Variant Classification Scheme 2023. Collection method: clinical testing. Allele origin: germline.
Comment: The p.D55G variant (also known as c.164A>G), located in coding exon 2 of the TPM1 gene, results from an A to G substitution at nucleotide position 164. The aspartic acid at codon 55 is replaced by glycine, an amino acid with similar properties. This amino acid position is highly conserved in available vertebrate species. In addition, this alteration is predicted to be deleterious by in silico analysis. Since supporting evidence is limited at this time, the clinical significance of this alteration remains unclear.

CHEO Genetics Diagnostic Laboratory, Children's Hospital of Eastern Ontario
Classification: Uncertain significance for Cardiomyopathy. Last evaluated: 2019-02-13. Review status: criteria provided, single submitter. Criteria: ACMG Guidelines, 2015. Collection method: clinical testing. Allele origin: germline.

NM_001018005.2(TPM1):c.164A>G (p.Asp55Gly)

Gene: TPM1 (tropomyosin 1; plus strand). Cytogenetic location: 15q22.2.
Variant type: single nucleotide variant.
Coding change: c.164A>G on transcript NM_001018005.2 (MANE Select); coding-DNA position 164, A replaced by G.
Protein change: p.Asp55Gly; replaces aspartic acid 55 with glycine.
Molecular consequence: missense variant. On other transcripts: intron variant (3).
Genome position (GRCh38, 1-based): chr15:63,044,076, A>G. VCF-style: chr15-63044076-A-G. GRCh37 (hg19) VCF-style: chr15-63336275-A-G.
Other names: c.164A>G, p.Asp55Gly (NM_000366.6, NM_001018004.2, NM_001018006.2 and 3 more transcripts); c.290A>G, p.Asp97Gly (NM_001365778.1); c.240+245A>G (NM_001018020.2, NM_001018007.2, NM_001301244.2); short protein forms D55G, D97G.
Identifiers: ClinVar variation 582268 (VCV000582268.16), dbSNP rs1566937759, ClinGen allele CA392718582.